The following is an entry in ClinVar:

ClinVar aggregate classification (germline): Uncertain significance. Review status: criteria provided, multiple submitters, no conflicts (2 of 4 stars). 2 submissions from 2 submitters: Uncertain significance (2). Last evaluated 2023-06-06.

gnomAD v4.1: 4 of 1,612,888 alleles (0.00025%); highest among the groups gnomAD compares: Non-Finnish European, 0.00034%; no homozygotes.

Submissions (2):

GeneDx
Classification: Uncertain significance. Last evaluated: 2023-06-06. Review status: criteria provided, single submitter. Criteria: GeneDx Variant Classification Process June 2021. Collection method: clinical testing. Allele origin: germline. Affected: yes.
Comment: Not observed at significant frequency in large population cohorts (gnomAD); In silico analysis supports that this missense variant has a deleterious effect on protein structure/function; Has not been previously published as pathogenic or benign to our knowledge

Labcorp Genetics (formerly Invitae), Labcorp
Classification: Uncertain significance. Last evaluated: 2022-04-30. Review status: criteria provided, single submitter. Criteria: Invitae Variant Classification Sherloc (09022015). Collection method: clinical testing. Allele origin: germline.
Comment: Algorithms developed to predict the effect of missense changes on protein structure and function (SIFT, PolyPhen-2, Align-GVGD) all suggest that this variant is likely to be disruptive. In summary, the available evidence is currently insufficient to determine the role of this variant in disease. Therefore, it has been classified as a Variant of Uncertain Significance. This variant has not been reported in the literature in individuals affected with KCNV2-related conditions. This sequence change replaces alanine, which is neutral and non-polar, with glutamic acid, which is acidic and polar, at codon 427 of the KCNV2 protein (p.Ala427Glu). This variant is not present in population databases (gnomAD no frequency).

NM_133497.4(KCNV2):c.1280C>A (p.Ala427Glu)

Gene: KCNV2 (potassium voltage-gated channel modifier subfamily V member 2; plus strand). Cytogenetic location: 9p24.2.
Variant type: single nucleotide variant.
Coding change: c.1280C>A on transcript NM_133497.4 (MANE Select); coding-DNA position 1280, C replaced by A.
Protein change: p.Ala427Glu; replaces alanine 427 with glutamic acid.
Molecular consequence: missense variant.
Genome position (GRCh38, 1-based): chr9:2,719,019, C>A. VCF-style: chr9-2719019-C-A. GRCh37 (hg19) VCF-style: chr9-2719019-C-A.
Other names: c.1280C>A (NM_133497.3); short protein forms A427E.
Identifiers: ClinVar variation 2422096 (VCV002422096.7), dbSNP rs201361335, ClinGen allele CA187974333.
Genomic context (GRCh38, chr9:2,719,019, plus strand): 5'-GCTACCAGCAGGTGGGCTGCCTGCTGCTCTTCATCGCCATGGGCATCTTCACTTTCTCTG[C>A]GGCTGTCTACTCTGTGGAGCACGATGTGCCCAGCACCAACTTCACTACCATCCCCCACTC-3'
Protein context (NP_598004.1, residues 417-437): FIAMGIFTFS[Ala427Glu]AVYSVEHDVP